The following is an entry in ClinVar:

ClinVar aggregate classification (germline): Likely benign. Review status: criteria provided, single submitter (1 of 4 stars). 2 submissions from 2 submitters: Likely benign (1). 1 of the submissions does not count toward it. Last evaluated 2025-09-30.

Conditions:
AMPD2-related disorder. Also called: AMPD2-related condition.
Hereditary spastic paraplegia 63. Also called: Spastic paraplegia 63, autosomal recessive. Identifiers: Orphanet 401805, MedGen C3810295, MONDO:0014305, OMIM 615686.
Pontocerebellar hypoplasia type 9. Identifiers: Orphanet 369920, MedGen C4014354, MONDO:0014351, OMIM 615809.

gnomAD v4.1: 301 of 1,614,044 alleles (0.019%); highest among the groups gnomAD compares: Non-Finnish European, 0.024%; 1 homozygote.

Submissions (2):

Labcorp Genetics (formerly Invitae), Labcorp
Classification: Likely benign for Pontocerebellar hypoplasia type 9; Hereditary spastic paraplegia 63. Last evaluated: 2025-09-30. Review status: criteria provided, single submitter. Criteria: Invitae Variant Classification Sherloc (09022015). Collection method: clinical testing. Allele origin: germline.

PreventionGenetics, part of Exact Sciences
Classification: Likely benign for AMPD2-related condition. Last evaluated: 2019-03-08. Review status: no assertion criteria provided. Collection method: clinical testing. Allele origin: germline. Not counted in ClinVar's aggregate classification.
Comment: This variant is classified as likely benign based on ACMG/AMP sequence variant interpretation guidelines (Richards et al. 2015 PMID: 25741868, with internal and published modifications).

NM_001368809.2(AMPD2):c.282C>T (p.Pro94=)

Gene: AMPD2 (adenosine monophosphate deaminase 2; plus strand). Cytogenetic location: 1p13.3.
Variant type: single nucleotide variant.
Coding change: c.282C>T on transcript NM_001368809.2 (MANE Select); coding-DNA position 282, C replaced by T.
Protein change: p.Pro94=; no amino-acid change (proline 94 retained).
Molecular consequence: synonymous variant.
Genome position (GRCh38, 1-based): chr1:109,625,721, C>T. VCF-style: chr1-109625721-C-T. GRCh37 (hg19) VCF-style: chr1-110168343-C-T.
Other names: c.444C>T (NM_001257360.1); c.90C>T, p.Pro30= (NM_001257361.2); c.219C>T, p.Pro73= (NM_001308170.1); c.282C>T, p.Pro94= (NM_004037.9); c.201C>T, p.Pro67= (NM_139156.4).
Identifiers: ClinVar variation 1921503 (VCV001921503.7), dbSNP rs747871730, ClinGen allele CA992746.